The following is an entry in ClinVar:

NM_001378183.1(PIEZO2):c.7779C>G (p.Thr2593=)

Gene: PIEZO2 (piezo type mechanosensitive ion channel component 2; minus strand). Cytogenetic location: 18p11.22.
Variant type: single nucleotide variant.
Coding change: c.7779C>G on transcript NM_001378183.1 (MANE Select); coding-DNA position 7779, C replaced by G.
Protein change: p.Thr2593=; no amino-acid change (threonine 2593 retained).
Molecular consequence: synonymous variant.
Genome position (GRCh38, 1-based): chr18:10,681,661, G>C on the plus strand (C>G on the coding strand, the complement: PIEZO2 is on the minus strand). VCF-style: chr18-10681661-G-C. GRCh37 (hg19) VCF-style: chr18-10681658-G-C.
Other names: c.7440C>G, p.Thr2480= (NM_022068.4).
Identifiers: ClinVar variation 381158 (VCV000381158.1), dbSNP rs746879076, ClinGen allele CA8891909.

ClinVar aggregate classification (germline): Likely benign (1 of 4 stars; one submission).

gnomAD v4.1: 9 of 1,578,356 alleles (0.00057%); highest among the groups gnomAD compares: South Asian, 0.01%; no homozygotes.

Submission:

GeneDx
Classification: Likely benign. Last evaluated: 2015-11-03. Review status: criteria provided, single submitter. Criteria: GeneDx Variant Classification (06012015). Collection method: clinical testing. Allele origin: germline. Affected: yes.
Comment: This variant is considered likely benign or benign based on one or more of the following criteria: it is a conservative change, it occurs at a poorly conserved position in the protein, it is predicted to be benign by multiple in silico algorithms, and/or has population frequency not consistent with disease.